The following is an entry in ClinVar:

ClinVar aggregate classification (germline): Pathogenic. Review status: criteria provided, single submitter (1 of 4 stars). 2 submissions from 2 submitters: Pathogenic (1). 1 of the submissions does not count toward it. Last evaluated 2020-11-23.

Conditions:
Charcot-Marie-Tooth disease. Also called: Charcot-Marie-Tooth Hereditary Neuropathy; Charcot-Marie-Tooth Neuropathy. Identifiers: Orphanet 166, MedGen C0007959, MONDO:0015626.

Submissions (2):

Athena Diagnostics
Classification: Pathogenic. Last evaluated: 2020-11-23. Review status: criteria provided, single submitter. Criteria: Athena Diagnostics criteria. Collection method: clinical testing. Allele origin: unknown.
Comment: This variant is expected to result in the loss of a functional protein. This variant has not been reported in large, multi-ethnic general populations. This variant has been identified in at least one individual with clinical features associated with this gene.

Inherited Neuropathy Consortium
Classification: Pathogenic for Charcot-Marie-Tooth disease. Review status: no assertion criteria provided. Collection method: literature only. Allele origin: germline. Affected: yes. Not counted in ClinVar's aggregate classification.

Literature cited by the submitters: PubMed 25614874 (cited by Athena Diagnostics and Inherited Neuropathy Consortium).

NM_000530.8(MPZ):c.197G>A (p.Trp66Ter)

Gene: MPZ (myelin protein zero; minus strand). Cytogenetic location: 1q23.3.
Variant type: single nucleotide variant.
Coding change: c.197G>A on transcript NM_000530.8 (MANE Select); coding-DNA position 197, G replaced by A.
Protein change: p.Trp66Ter; replaces tryptophan 66 with a stop codon.
Molecular consequence: nonsense.
Genome position (GRCh38, 1-based): chr1:161,307,295, C>T on the plus strand (G>A on the coding strand, the complement: MPZ is on the minus strand). VCF-style: chr1-161307295-C-T. GRCh37 (hg19) VCF-style: chr1-161277085-C-T.
Other names: c.197G>A (LRG_256t1); c.197G>A, p.Trp66Ter (NM_001315491.2); short protein forms W66*.
Identifiers: ClinVar variation 637507 (VCV000637507.2), dbSNP rs1571819946, ClinGen allele CA343350582.
Genomic context (GRCh38, chr1:161,307,295, plus strand): 5'-CCAGGATTCCCCCAGGCACTCACCGAAATGGCATCTCTGCCCCCTTCGGGCTGGTAGCGC[C>T]AGGTGAAGGAGATGTCATCTGAGACCCACTCACTGGACCAGAAGGAGCAGTGCAGGGTCA-3'